The following is an entry in ClinVar:

NM_015047.3(EMC1):c.1766T>C (p.Leu589Pro)

Genes: EMC1 (ER membrane protein complex subunit 1; minus strand), EMC1-AS1 (EMC1 antisense RNA 1; plus strand). Cytogenetic location: 1p36.13.
Variant type: single nucleotide variant.
Coding change: c.1766T>C on transcript NM_015047.3 (MANE Select); coding-DNA position 1766, T replaced by C.
Protein change: p.Leu589Pro; replaces leucine 589 with proline.
Molecular consequence: missense variant.
Genome position (GRCh38, 1-based): chr1:19,232,640, A>G on the plus strand (T>C on the coding strand, the complement: EMC1 is on the minus strand). VCF-style: chr1-19232640-A-G. GRCh37 (hg19) VCF-style: chr1-19559134-A-G.
Other names: c.1763T>C, p.Leu588Pro (NM_001271427.2, NM_001271428.2); c.1700T>C, p.Leu567Pro (NM_001271429.2); c.1775T>C, p.Leu592Pro (NM_001375820.1); c.1772T>C, p.Leu591Pro (NM_001375821.1); short protein forms L567P, L588P, L589P, L591P, L592P.
Identifiers: ClinVar variation 2708389 (VCV002708389.3), dbSNP rs2536730144, ClinGen allele CA338760414.

ClinVar aggregate classification (germline): Uncertain significance (1 of 4 stars; one submission).

Submission:

Labcorp Genetics (formerly Invitae), Labcorp
Classification: Uncertain significance. Last evaluated: 2024-03-01. Review status: criteria provided, single submitter. Criteria: Invitae Variant Classification Sherloc (09022015). Collection method: clinical testing. Allele origin: germline.
Comment: This sequence change replaces leucine, which is neutral and non-polar, with proline, which is neutral and non-polar, at codon 589 of the EMC1 protein (p.Leu589Pro). This variant is not present in population databases (gnomAD no frequency). This variant has not been reported in the literature in individuals affected with EMC1-related conditions. Advanced modeling of protein sequence and biophysical properties (such as structural, functional, and spatial information, amino acid conservation, physicochemical variation, residue mobility, and thermodynamic stability) performed at Invitae indicates that this missense variant is expected to disrupt EMC1 protein function with a positive predictive value of 80%. In summary, the available evidence is currently insufficient to determine the role of this variant in disease. Therefore, it has been classified as a Variant of Uncertain Significance.